The following is an entry in ClinVar:

NM_005502.4(ABCA1):c.847C>T (p.Gln283Ter)

Gene: ABCA1 (ATP binding cassette subfamily A member 1; minus strand). Cytogenetic location: 9q31.1.
Variant type: single nucleotide variant.
Coding change: c.847C>T on transcript NM_005502.4 (MANE Select); coding-DNA position 847, C replaced by T.
Protein change: p.Gln283Ter; replaces glutamine 283 with a stop codon.
Molecular consequence: nonsense.
Genome position (GRCh38, 1-based): chr9:104,840,486, G>A on the plus strand (C>T on the coding strand, the complement: ABCA1 is on the minus strand). VCF-style: chr9-104840486-G-A. GRCh37 (hg19) VCF-style: chr9-107602767-G-A.
Other names: short protein forms Q283*.
Identifiers: ClinVar variation 4725075 (VCV004725075.1).

ClinVar aggregate classification (germline): Pathogenic (1 of 4 stars; one submission).

Submission:

Labcorp Genetics (formerly Invitae), Labcorp
Classification: Pathogenic. Last evaluated: 2025-08-09. Review status: criteria provided, single submitter. Criteria: Invitae Variant Classification Sherloc (09022015). Collection method: clinical testing. Allele origin: germline.
Comment: This sequence change creates a premature translational stop signal (p.Gln283*) in the ABCA1 gene. It is expected to result in an absent or disrupted protein product. Loss-of-function variants in ABCA1 are known to be pathogenic (PMID: 10525055, 10760292, 20880529). This variant is not present in population databases (gnomAD no frequency). This variant has not been reported in the literature in individuals affected with ABCA1-related conditions. For these reasons, this variant has been classified as Pathogenic.

Literature cited by the submitters: PubMed 10525055; PubMed 10760292; PubMed 20880529.